The following is an entry in ClinVar:

ClinVar aggregate classification (germline): Conflicting classifications of pathogenicity. Review status: criteria provided, conflicting classifications (1 of 4 stars). 10 submissions from 10 submitters: Uncertain significance (1); Benign (3); Likely benign (6). Last evaluated 2026-01-19.

Conditions:
Hereditary cancer-predisposing syndrome. Also called: Tumor predisposition; Hereditary Cancer Syndrome; Neoplastic Syndromes, Hereditary; Hereditary neoplastic syndrome. Identifiers: Orphanet 140162, MedGen C0027672, MeSH D009386, MONDO:0015356.
Hereditary diffuse gastric adenocarcinoma (HDGC). Also called: DIFFUSE GASTRIC AND LOBULAR BREAST CANCER SYNDROME. Identifiers: Orphanet 26106, MedGen C1708349, MONDO:0007648, OMIM 137215.

Allele frequency attached by ClinVar (database versions not stated): TOPMed 0.00003; gnomAD 0.00002; ExAC 0.00003; gnomAD exomes 0.00003.
gnomAD v4.1: 45 of 1,614,028 alleles (0.0028%); highest among the groups gnomAD compares: Non-Finnish European, 0.0036%; no homozygotes.

Submissions (10):

Labcorp Genetics (formerly Invitae), Labcorp
Classification: Likely benign for Hereditary diffuse gastric adenocarcinoma. Last evaluated: 2026-01-19. Review status: criteria provided, single submitter. Criteria: Invitae Variant Classification Sherloc (09022015). Collection method: clinical testing. Allele origin: germline.

Quest Diagnostics Nichols Institute San Juan Capistrano
Classification: Likely benign. Last evaluated: 2025-11-09. Review status: criteria provided, single submitter. Criteria: Quest Diagnostics criteria. Collection method: clinical testing. Allele origin: unknown.

Women's Health and Genetics/Laboratory Corporation of America, LabCorp
Classification: Likely benign. Last evaluated: 2025-04-21. Review status: criteria provided, single submitter. Criteria: LabCorp Variant Classification Summary - May 2015. Collection method: clinical testing. Allele origin: germline.

Center for Genomic Medicine, Rigshospitalet, Copenhagen University Hospital
Classification: Likely benign. Last evaluated: 2025-03-04. Review status: criteria provided, single submitter. Criteria: ACMG Guidelines, 2015. Collection method: clinical testing. Allele origin: germline.

Myriad Genetics, Inc.
Classification: Benign for Hereditary diffuse gastric adenocarcinoma. Last evaluated: 2024-09-12. Review status: criteria provided, single submitter. Criteria: Myriad Autosomal Dominant, Autosomal Recessive and X-Linked Classification Criteria (2023). Collection method: clinical testing. Allele origin: unknown.
Comment: This variant is considered benign. This variant is intronic and is not expected to impact mRNA splicing.

European Reference Network on Genetic Tumour Risk Syndromes (ERN-GENTURIS), i3s - Instituto de Investigação e Inovação em Saúde, University of Porto
Classification: Uncertain significance for Hereditary diffuse gastric adenocarcinoma. Last evaluated: 2022-08-01. Review status: criteria provided, single submitter. Criteria: Lee et al. (Hum Mutat. 2018). Collection method: clinical testing. Allele origin: germline. Inheritance: Autosomal dominant inheritance. Affected: no. Study: ERN GENTURIS.
Comment: Not applicable criteria (PMID: 30311375)

Sema4
Classification: Benign for Hereditary cancer-predisposing syndrome. Last evaluated: 2020-10-30. Review status: criteria provided, single submitter. Criteria: Sema4 Curation Guidelines. Collection method: curation. Allele origin: germline.

Color Diagnostics, LLC DBA Color Health
Classification: Likely benign for Hereditary cancer-predisposing syndrome. Last evaluated: 2017-08-21. Review status: criteria provided, single submitter. Criteria: ACMG Guidelines, 2015. Collection method: clinical testing. Allele origin: germline.

PreventionGenetics, part of Exact Sciences
Classification: Likely benign. Last evaluated: 2017-08-11. Review status: criteria provided, single submitter. Criteria: ACMG Guidelines, 2015. Collection method: clinical testing. Allele origin: germline.

GeneDx
Classification: Benign. Last evaluated: 2015-04-07. Review status: criteria provided, single submitter. Criteria: GeneDx Variant Classification Process June 2021. Collection method: clinical testing. Allele origin: germline. Affected: yes.

Literature cited by the submitters: PubMed 36436516 (cited by Quest Diagnostics Nichols Institute San Juan Capistrano and European Reference Network on Genetic Tumour Risk Syndromes (ERN-GENTURIS), i3s - Instituto de Investigação e Inovação em Saúde, University of Porto).

NM_004360.5(CDH1):c.388-8C>T

Gene: CDH1 (cadherin 1; plus strand). Cytogenetic location: 16q22.1.
Variant type: single nucleotide variant.
Coding change: c.388-8C>T on transcript NM_004360.5 (MANE Select); 8 bases into the intron before coding-DNA position 388, C replaced by T.
Molecular consequence: intron variant.
Genome position (GRCh38, 1-based): chr16:68,808,416, C>T. VCF-style: chr16-68808416-C-T. GRCh37 (hg19) VCF-style: chr16-68842319-C-T.
Other names: c.388-8C>T (LRG_301t1, NM_001317184.2); c.-1228-8C>T (NM_001317185.2); c.-1432-8C>T (NM_001317186.2).
Identifiers: ClinVar variation 219497 (VCV000219497.31), dbSNP rs774601444, ClinGen allele CA349634.
Genomic context (GRCh38, chr16:68,808,416, plus strand): 5'-TGGACTGTTAGACCTGAAGTATCCGTCTTGAATTGTCTTATCTTGTTCCTCATCTTCTTT[C>T]CTTTTAGGCCTCCGTTTCTGGAATCCAAGCAGAATTGCTCACATTTCCCAACTCCTCTCC-3'